The following is an entry in ClinVar:

ClinVar aggregate classification (germline): Uncertain significance. Review status: criteria provided, multiple submitters, no conflicts (2 of 4 stars). 2 submissions from 2 submitters: Uncertain significance (2). Last evaluated 2025-08-09.

Conditions:
Familial thoracic aortic aneurysm and aortic dissection (TAAD). Also called: Thoracic aortic aneurysms and dissections. Identifiers: Orphanet 91387, MedGen C4707243, MONDO:0019625.
Hereditary cancer-predisposing syndrome. Also called: Neoplastic Syndromes, Hereditary; Tumor predisposition; Hereditary Cancer Syndrome; Hereditary neoplastic syndrome. Identifiers: Orphanet 140162, MedGen C0027672, MeSH D009386, MONDO:0015356.
Juvenile polyposis syndrome (JPS). Identifiers: Orphanet 2929, MedGen C0345893, MONDO:0017380, OMIM 174900.

gnomAD v4.1: 1 of 1,613,610 alleles (0.000062%); highest among the groups gnomAD compares: Non-Finnish European, 0.000085%; no homozygotes.

Submissions (2):

Ambry Genetics
Classification: Uncertain significance for Hereditary cancer-predisposing syndrome; Familial thoracic aortic aneurysm and aortic dissection. Last evaluated: 2025-08-09. Review status: criteria provided, single submitter. Criteria: Ambry Variant Classification Scheme 2023. Collection method: clinical testing. Allele origin: germline.
Comment: The p.C123Y variant (also known as c.368G>A), located in coding exon 2 of the SMAD4 gene, results from a G to A substitution at nucleotide position 368. The cysteine at codon 123 is replaced by tyrosine, an amino acid with highly dissimilar properties. This amino acid position is conserved. In addition, this alteration is predicted to be deleterious by in silico analysis. Based on the available evidence, the clinical significance of this variant remains unclear.

Labcorp Genetics (formerly Invitae), Labcorp
Classification: Uncertain significance for Juvenile polyposis syndrome. Last evaluated: 2025-03-05. Review status: criteria provided, single submitter. Criteria: Invitae Variant Classification Sherloc (09022015). Collection method: clinical testing. Allele origin: germline.
Comment: This sequence change replaces cysteine, which is neutral and slightly polar, with tyrosine, which is neutral and polar, at codon 123 of the SMAD4 protein (p.Cys123Tyr). This variant is not present in population databases (gnomAD no frequency). This variant has not been reported in the literature in individuals affected with SMAD4-related conditions. Invitae Evidence Modeling of protein sequence and biophysical properties (such as structural, functional, and spatial information, amino acid conservation, physicochemical variation, residue mobility, and thermodynamic stability) has been performed for this missense variant. However, the output from this modeling did not meet the statistical confidence thresholds required to predict the impact of this variant on SMAD4 protein function. In summary, the available evidence is currently insufficient to determine the role of this variant in disease. Therefore, it has been classified as a Variant of Uncertain Significance.

NM_005359.6(SMAD4):c.368G>A (p.Cys123Tyr)

Gene: SMAD4 (SMAD family member 4; plus strand). Cytogenetic location: 18q21.2.
Variant type: single nucleotide variant.
Coding change: c.368G>A on transcript NM_005359.6 (MANE Select); coding-DNA position 368, G replaced by A.
Protein change: p.Cys123Tyr; replaces cysteine 123 with tyrosine.
Molecular consequence: missense variant. On other transcripts: non-coding transcript variant (2).
Genome position (GRCh38, 1-based): chr18:51,048,804, G>A. VCF-style: chr18-51048804-G-A. GRCh37 (hg19) VCF-style: chr18-48575174-G-A.
Other names: c.368G>A, p.Cys123Tyr (NM_001407043.1, NM_001407041.1, NM_001407042.1); short protein forms C123Y.
Identifiers: ClinVar variation 4170048 (VCV004170048.2).